The following is an entry in ClinVar:

NM_130837.3(OPA1):c.2916T>G (p.Phe972Leu)

Gene: OPA1 (OPA1 mitochondrial dynamin like GTPase; plus strand). Cytogenetic location: 3q29.
Variant type: single nucleotide variant.
Coding change: c.2916T>G on transcript NM_130837.3 (MANE Select); coding-DNA position 2916, T replaced by G.
Protein change: p.Phe972Leu; replaces phenylalanine 972 with leucine.
Molecular consequence: missense variant.
Genome position (GRCh38, 1-based): chr3:193,667,213, T>G. VCF-style: chr3-193667213-T-G. GRCh37 (hg19) VCF-style: chr3-193385002-T-G.
Other names: c.2382T>G, p.Phe794Leu (NM_001354663.2); c.2379T>G, p.Phe793Leu (NM_001354664.2); c.2751T>G, p.Phe917Leu (NM_015560.3); c.2643T>G, p.Phe881Leu (NM_130831.3); c.2697T>G, p.Phe899Leu (NM_130832.3); c.2754T>G, p.Phe918Leu (NM_130833.3); c.2805T>G, p.Phe935Leu (NM_130834.3); c.2808T>G, p.Phe936Leu (NM_130835.3); and 1 more; short protein forms F917L, F899L, F918L, F935L, F972L, F881L, F954L, F793L.
Identifiers: ClinVar variation 2802343 (VCV002802343.4), dbSNP rs1326349949, ClinGen allele CA355797392.

ClinVar aggregate classification (germline): Uncertain significance. Review status: criteria provided, multiple submitters, no conflicts (2 of 4 stars). 2 submissions from 2 submitters: Uncertain significance (2). Last evaluated 2026-01-02.

Allele frequency attached by ClinVar (database versions not stated): gnomAD exomes 0.00001; TOPMed 0.00001.
gnomAD v4.1: 4 of 1,608,640 alleles (0.00025%); highest among the groups gnomAD compares: Non-Finnish European, 0.00034%; no homozygotes.

Submissions (2):

Labcorp Genetics (formerly Invitae), Labcorp
Classification: Uncertain significance. Last evaluated: 2026-01-02. Review status: criteria provided, single submitter. Criteria: Invitae Variant Classification Sherloc (09022015). Collection method: clinical testing. Allele origin: germline.
Comment: This sequence change replaces phenylalanine, which is neutral and non-polar, with leucine, which is neutral and non-polar, at codon 917 of the OPA1 protein (p.Phe917Leu). This variant is present in population databases (no rsID available, gnomAD 0.0009%). This variant has not been reported in the literature in individuals affected with OPA1-related conditions. ClinVar contains an entry for this variant (Variation ID: 2802343). Invitae Evidence Modeling of protein sequence and biophysical properties (such as structural, functional, and spatial information, amino acid conservation, physicochemical variation, residue mobility, and thermodynamic stability) indicates that this missense variant is not expected to disrupt OPA1 protein function with a negative predictive value of 80%. In summary, the available evidence is currently insufficient to determine the role of this variant in disease. Therefore, it has been classified as a Variant of Uncertain Significance.

GeneDx
Classification: Uncertain significance. Last evaluated: 2023-12-26. Review status: criteria provided, single submitter. Criteria: GeneDx Variant Classification Process June 2021. Collection method: clinical testing. Allele origin: germline. Affected: yes.
Comment: Not observed at significant frequency in large population cohorts (gnomAD); In silico analysis supports that this missense variant has a deleterious effect on protein structure/function; Has not been previously published as pathogenic or benign to our knowledge